The following is an entry in ClinVar:

NM_004360.5(CDH1):c.387+1111C>T

Gene: CDH1 (cadherin 1; plus strand). Cytogenetic location: 16q22.1.
Variant type: single nucleotide variant.
Coding change: c.387+1111C>T on transcript NM_004360.5 (MANE Select); 1111 bases into the intron after coding-DNA position 387, C replaced by T.
Molecular consequence: intron variant.
Genome position (GRCh38, 1-based): chr16:68,803,004, C>T. VCF-style: chr16-68803004-C-T. GRCh37 (hg19) VCF-style: chr16-68836907-C-T.
Other names: c.-1229+1111C>T (NM_001317185.2); c.-1433+1111C>T (NM_001317186.2); c.387+1111C>T (NM_001317184.2).
Identifiers: ClinVar variation 4721997 (VCV004721997.1).

ClinVar aggregate classification (germline): Uncertain significance (1 of 4 stars; one submission).

Conditions:
Hereditary diffuse gastric adenocarcinoma (HDGC). Also called: DIFFUSE GASTRIC AND LOBULAR BREAST CANCER SYNDROME. Identifiers: Orphanet 26106, MedGen C1708349, MONDO:0007648, OMIM 137215.

gnomAD v4.1: 1 of 152,132 alleles (0.00066%); highest among the groups gnomAD compares: Non-Finnish European, 0.0015%; no homozygotes.

Submission:

Labcorp Genetics (formerly Invitae), Labcorp
Classification: Uncertain significance for Hereditary diffuse gastric adenocarcinoma. Last evaluated: 2025-06-23. Review status: criteria provided, single submitter. Criteria: Invitae Variant Classification Sherloc (09022015). Collection method: clinical testing. Allele origin: germline.
Comment: This sequence change falls in intron 3 of the CDH1 gene. It does not directly change the encoded amino acid sequence of the CDH1 protein. RNA analysis indicates that this variant induces altered splicing and may result in an absent or altered protein product. This variant is not present in population databases (gnomAD no frequency). This variant has not been reported in the literature in individuals affected with CDH1-related conditions. Studies have shown that this variant results in activation of a cryptic splice site, and produces a non-functional protein and/or introduces a premature termination codon (internal data). In summary, the available evidence is currently insufficient to determine the role of this variant in disease. Therefore, it has been classified as a Variant of Uncertain Significance.